The following is an entry in ClinVar:

NM_004281.4(BAG3):c.944C>T (p.Ser315Phe)

Gene: BAG3 (BAG cochaperone 3; plus strand). Cytogenetic location: 10q26.11.
Variant type: single nucleotide variant.
Coding change: c.944C>T on transcript NM_004281.4 (MANE Select); coding-DNA position 944, C replaced by T.
Protein change: p.Ser315Phe; replaces serine 315 with phenylalanine.
Molecular consequence: missense variant.
Genome position (GRCh38, 1-based): chr10:119,676,498, C>T. VCF-style: chr10-119676498-C-T. GRCh37 (hg19) VCF-style: chr10-121436010-C-T.
Other names: short protein forms S315F.
Identifiers: ClinVar variation 410238 (VCV000410238.8), dbSNP rs1060502818, ClinGen allele CA16612746.

ClinVar aggregate classification (germline): Uncertain significance (1 of 4 stars; one submission).

Conditions:
Dilated cardiomyopathy 1HH (CMD1HH). Identifiers: Orphanet 154, MedGen C3151293, MONDO:0013479, OMIM 613881.
Myofibrillar myopathy 6. Identifiers: Orphanet 199340, MedGen C2751831, MONDO:0013061, OMIM 612954.

Allele frequency attached by ClinVar (database versions not stated): TOPMed below 0.00001; gnomAD 0.00001.
gnomAD v4.1: 2 of 1,613,968 alleles (0.00012%); highest among the groups gnomAD compares: Non-Finnish European, 0.00017%; no homozygotes.

Submission:

Labcorp Genetics (formerly Invitae), Labcorp
Classification: Uncertain significance for Dilated cardiomyopathy 1HH; Myofibrillar myopathy 6. Last evaluated: 2025-08-25. Review status: criteria provided, single submitter. Criteria: Invitae Variant Classification Sherloc (09022015). Collection method: clinical testing. Allele origin: germline.
Comment: This sequence change replaces serine, which is neutral and polar, with phenylalanine, which is neutral and non-polar, at codon 315 of the BAG3 protein (p.Ser315Phe). This variant is not present in population databases (gnomAD no frequency). This variant has not been reported in the literature in individuals affected with BAG3-related conditions. ClinVar contains an entry for this variant (Variation ID: 410238). Invitae Evidence Modeling of protein sequence and biophysical properties (such as structural, functional, and spatial information, amino acid conservation, physicochemical variation, residue mobility, and thermodynamic stability) indicates that this missense variant is not expected to disrupt BAG3 protein function with a negative predictive value of 80%. In summary, the available evidence is currently insufficient to determine the role of this variant in disease. Therefore, it has been classified as a Variant of Uncertain Significance.